The following is an entry in ClinVar:

NM_000059.4(BRCA2):c.780A>C (p.Glu260Asp)

Gene: BRCA2 (BRCA2 DNA repair associated; plus strand). Cytogenetic location: 13q13.1.
Variant type: single nucleotide variant.
Coding change: c.780A>C on transcript NM_000059.4 (MANE Select); coding-DNA position 780, A replaced by C.
Protein change: p.Glu260Asp; replaces glutamic acid 260 with aspartic acid.
Molecular consequence: missense variant.
Genome position (GRCh38, 1-based): chr13:32,331,017, A>C. VCF-style: chr13-32331017-A-C. GRCh37 (hg19) VCF-style: chr13-32905154-A-C.
Other names: c.780A>C, p.Glu260Asp (NM_001406719.1, NM_001406720.1, NM_001406721.1); c.411A>C, p.Glu137Asp (NM_001406722.1); short protein forms E137D, E260D.
Identifiers: ClinVar variation 2116743 (VCV002116743.4), dbSNP rs2137462235, ClinGen allele CA387760213.

ClinVar aggregate classification (germline): Uncertain significance (1 of 4 stars; one submission).

Conditions:
Hereditary breast ovarian cancer syndrome. Also called: Hereditary breast and ovarian cancer syndrome; Hereditary breast and ovarian cancer; Hereditary breast and ovarian cancer syndrome (HBOC); Hereditary breast and/or ovarian cancer syndrome; Breast and ovarian cancer; BRCA1- and BRCA2-Associated Hereditary Breast and Ovarian Cancer. Identifiers: Orphanet 145, MedGen C0677776, MeSH D061325, MONDO:0003582. Disease mechanism: loss of function.

Submission:

Labcorp Genetics (formerly Invitae), Labcorp
Classification: Uncertain significance for Hereditary breast ovarian cancer syndrome. Last evaluated: 2022-03-25. Review status: criteria provided, single submitter. Criteria: Invitae Variant Classification Sherloc (09022015). Collection method: clinical testing. Allele origin: germline.
Comment: This variant has not been reported in the literature in individuals affected with BRCA2-related conditions. This variant is not present in population databases (gnomAD no frequency). This sequence change replaces glutamic acid, which is acidic and polar, with aspartic acid, which is acidic and polar, at codon 260 of the BRCA2 protein (p.Glu260Asp). In summary, the available evidence is currently insufficient to determine the role of this variant in disease. Therefore, it has been classified as a Variant of Uncertain Significance. Advanced modeling of protein sequence and biophysical properties (such as structural, functional, and spatial information, amino acid conservation, physicochemical variation, residue mobility, and thermodynamic stability) performed at Invitae indicates that this missense variant is not expected to disrupt BRCA2 protein function.